The following is an entry in ClinVar:

NM_001014447.3(CPZ):c.1260C>T (p.Asp420=)

Gene: CPZ (carboxypeptidase Z; plus strand). Cytogenetic location: 4p16.1.
Variant type: single nucleotide variant.
Coding change: c.1260C>T on transcript NM_001014447.3 (MANE Select); coding-DNA position 1260, C replaced by T.
Protein change: p.Asp420=; no amino-acid change (aspartic acid 420 retained).
Molecular consequence: synonymous variant.
Genome position (GRCh38, 1-based): chr4:8,612,059, C>T. VCF-style: chr4-8612059-C-T. GRCh37 (hg19) VCF-style: chr4-8613786-C-T.
Other names: c.849C>T, p.Asp283= (NM_001014448.3); c.1227C>T, p.Asp409= (NM_003652.4).
Identifiers: ClinVar variation 3058936 (VCV003058936.2), dbSNP rs2302574, ClinGen allele CA2853685.

ClinVar aggregate classification (germline): Benign (0 of 4 stars; one submission).

Conditions:
CPZ-related disorder. Also called: CPZ-related condition.

Allele frequency attached by ClinVar (database versions not stated): ESP Exome Variant Server 0.00254; gnomAD 0.01465; TOPMed 0.01532; ExAC 0.03031; 1000 Genomes Project 30x 0.06433; 1000 Genomes Project 0.06649.
gnomAD v4.1: 20,252 of 1,613,882 alleles (1.3%); highest among the groups gnomAD compares: East Asian, 24%; 1,483 homozygotes.

Submission:

PreventionGenetics, part of Exact Sciences
Classification: Benign for CPZ-related condition. Last evaluated: 2019-12-06. Review status: no assertion criteria provided. Collection method: clinical testing. Allele origin: germline.
Comment: This variant is classified as benign based on ACMG/AMP sequence variant interpretation guidelines (Richards et al. 2015 PMID: 25741868, with internal and published modifications).